The following is an entry in ClinVar:

ClinVar aggregate classification (germline): Benign (1 of 4 stars; one submission).

Conditions:
Pheochromocytoma/paraganglioma syndrome 3. Also called: GLOMUS TUMORS, FAMILIAL, 3; Paragangliomas 3; SDHC-Related Hereditary Paraganglioma-Pheochromocytoma Syndrome (Paragangliomas 3); SDHC-Related Hereditary Paraganglioma-Pheochromocytoma Syndrome. Identifiers: Orphanet 29072, MedGen C1854336, MONDO:0011544, OMIM 605373.

Submission:

Myriad Genetics, Inc.
Classification: Benign for Pheochromocytoma/paraganglioma syndrome 3. Last evaluated: 2025-03-17. Review status: criteria provided, single submitter. Criteria: Myriad Autosomal Dominant, Autosomal Recessive and X-Linked Classification Criteria (2023). Collection method: clinical testing. Allele origin: unknown.
Comment: This variant is considered benign. This variant occurs in the non-coding 3' untranslated region of the gene and is not expected to impact protein function.

NM_003001.5(SDHC):c.*5AGG[1]

Gene: SDHC (succinate dehydrogenase complex subunit C; plus strand). Cytogenetic location: 1q23.3.
Variant type: Microsatellite.
Coding change: c.*5AGG[1] on transcript NM_003001.5 (MANE Select); one copy of the 3-base unit AGG starting at c.*5; the reference has two copies in a row; one copy, 3 bases deleted.
Molecular consequence: 3 prime UTR variant. On other transcripts: non-coding transcript variant (1), inframe deletion (3).
Genome position (GRCh38, 1-based): chr1:161,362,441-161,362,443, AGG deleted; deleting any 3 consecutive bases within chr1:161,362,438-161,362,443 gives the same sequence; the position shown is the placement nearest the transcript's 3' end. VCF-style (leftmost placement, unchanged base first): chr1-161362437-AAGG-A. GRCh37 (hg19) VCF-style: chr1-161332227-AAGG-A.
Other names: c.351AGG[1], p.Gly119del (NM_001035511.3); c.*5AGG[1] (NM_001035512.3, NM_001035513.3, NM_001407115.1 and 5 more transcripts); c.249AGG[1], p.Gly85del (NM_001278172.3); c.294AGG[1], p.Gly100del (NM_001407121.1); short protein forms G100del, G119del, G85del.
Identifiers: ClinVar variation 3904527 (VCV003904527.1).
Genomic context (GRCh38, chr1:161,362,437, plus strand): 5'-GGAGTGGTTGTCCTGGTTCTTACTGTGTTGTCCTCTATGGGGCTGGCAGCCATGTGAAGA[AAGG>A]AGGCTCCCAGCATCATCTTCCTACACATTATTACATTCACCCATCTTTCTGTTTGTCATT-3'